The following is an entry in ClinVar:

NM_000455.5(STK11):c.360A>T (p.Glu120Asp)

Gene: STK11 (serine/threonine kinase 11; plus strand). Cytogenetic location: 19p13.3.
Variant type: single nucleotide variant.
Coding change: c.360A>T on transcript NM_000455.5 (MANE Select); coding-DNA position 360, A replaced by T.
Protein change: p.Glu120Asp; replaces glutamic acid 120 with aspartic acid.
Molecular consequence: missense variant. On other transcripts: non-coding transcript variant (1).
Genome position (GRCh38, 1-based): chr19:1,218,486, A>T. VCF-style: chr19-1218486-A-T. GRCh37 (hg19) VCF-style: chr19-1218485-A-T.
Other names: c.360A>T, p.Glu120Asp (NM_001407255.1); short protein forms E120D.
Identifiers: ClinVar variation 4176601 (VCV004176601.1).

ClinVar aggregate classification (germline): Uncertain significance (1 of 4 stars; one submission).

Conditions:
Hereditary cancer-predisposing syndrome. Also called: Neoplastic Syndromes, Hereditary; Tumor predisposition; Hereditary Cancer Syndrome; Hereditary neoplastic syndrome. Identifiers: Orphanet 140162, MedGen C0027672, MeSH D009386, MONDO:0015356.

Submission:

Ambry Genetics
Classification: Uncertain significance for Hereditary cancer-predisposing syndrome. Last evaluated: 2025-08-20. Review status: criteria provided, single submitter. Criteria: Ambry Variant Classification Scheme 2023. Collection method: clinical testing. Allele origin: germline.
Comment: The p.E120D variant (also known as c.360A>T), located in coding exon 2 of the STK11 gene, results from an A to T substitution at nucleotide position 360. The glutamic acid at codon 120 is replaced by aspartic acid, an amino acid with highly similar properties. This amino acid position is conserved. In addition, the in silico prediction for this alteration is inconclusive. Based on the available evidence, the clinical significance of this variant remains unclear.